The following is an entry in ClinVar:

ClinVar aggregate classification (germline): Benign/Likely benign. Review status: criteria provided, multiple submitters, no conflicts (2 of 4 stars). 9 submissions from 9 submitters: Benign (6); Likely benign (2). 1 of the submissions does not count toward it. Last evaluated 2026-02-04.

Conditions:
Donnai-Barrow syndrome. Also called: FACIOOCULOACOUSTICORENAL SYNDROME; DBS/FOAR SYNDROME. Identifiers: Orphanet 2143, MedGen C1857277, MONDO:0009104, OMIM 222448.

Allele frequency attached by ClinVar (database versions not stated): 1000 Genomes Project 30x 0.00328; 1000 Genomes Project 0.00339; gnomAD 0.00789 and 0.00820; gnomAD exomes 0.00804 and 0.01122; TOPMed 0.00808; ESP Exome Variant Server 0.00907; ExAC 0.00912.

Submissions (9):

Labcorp Genetics (formerly Invitae), Labcorp
Classification: Benign. Last evaluated: 2026-02-04. Review status: criteria provided, single submitter. Criteria: Invitae Variant Classification Sherloc (09022015). Collection method: clinical testing. Allele origin: germline.

CeGaT Center for Human Genetics Tuebingen
Classification: Benign. Last evaluated: 2025-11-01. Review status: criteria provided, single submitter. Criteria: CeGaT Center For Human Genetics Tuebingen Variant Classification Criteria Version 2. Collection method: clinical testing. Allele origin: germline. Affected: yes. Observed: 31 variant alleles.
Comment: LRP2: BP4, BP7, BS1, BS2

Mayo Clinic Laboratories, Mayo Clinic
Classification: Benign. Last evaluated: 2025-04-29. Review status: criteria provided, single submitter. Criteria: ACMG Guidelines, 2015. Collection method: clinical testing. Allele origin: germline. Observed: 2 variant alleles.
Comment: BA1, BS2, BP4, BP7

Genome-Nilou Lab
Classification: Benign for Donnai-Barrow syndrome. Last evaluated: 2021-07-15. Review status: criteria provided, single submitter. Criteria: ACMG Guidelines, 2015. Collection method: clinical testing. Allele origin: germline. Affected: no.

Illumina Laboratory Services, Illumina
Classification: Benign for Donnai-Barrow syndrome. Last evaluated: 2018-01-13. Review status: criteria provided, single submitter. Criteria: ICSL Variant Classification Criteria 13 December 2019. Collection method: clinical testing. Allele origin: germline.
Comment: This variant was observed in the ICSL laboratory as part of a predisposition screen in an ostensibly healthy population. It had not been previously curated by ICSL or reported in the Human Gene Mutation Database (HGMD: prior to June 1st, 2018), and was therefore a candidate for classification through an automated scoring system. Utilizing variant allele frequency, disease prevalence and penetrance estimates, and inheritance mode, an automated score was calculated to assess if this variant is too frequent to cause the disease. Based on the score and internal cut-off values, a variant classified as benign is not then subjected to further curation. The score for this variant resulted in a classification of benign for this disease.

GeneDx
Classification: Benign. Last evaluated: 2015-03-03. Review status: criteria provided, single submitter. Criteria: GeneDx Variant Classification Process June 2021. Collection method: clinical testing. Allele origin: germline. Affected: yes.

Breakthrough Genomics
Classification: Likely benign. Review status: criteria provided, single submitter. Criteria: ACMG Guidelines, 2015. Collection method: not provided. Allele origin: germline. Inheritance: Autosomal recessive inheritance. Affected: yes.

PreventionGenetics, part of Exact Sciences
Classification: Likely benign. Review status: criteria provided, single submitter. Criteria: ACMG Guidelines, 2015. Collection method: clinical testing. Allele origin: germline.

Genetic Services Laboratory, University of Chicago
Classification: Likely benign for AllHighlyPenetrant. Review status: no assertion criteria provided. Collection method: clinical testing. Allele origin: germline. Inheritance: Autosomal recessive inheritance. Not counted in ClinVar's aggregate classification.
Comment: Likely benign based on allele frequency in 1000 Genomes Project or ESP global frequency and its presence in a patient with a rare or unrelated disease phenotype. NOT Sanger confirmed.

NM_004525.3(LRP2):c.2175C>T (p.Thr725=)

Gene: LRP2 (LDL receptor related protein 2; minus strand). Cytogenetic location: 2q31.1.
Variant type: single nucleotide variant.
Coding change: c.2175C>T on transcript NM_004525.3 (MANE Select); coding-DNA position 2175, C replaced by T.
Protein change: p.Thr725=; no amino-acid change (threonine 725 retained).
Molecular consequence: synonymous variant.
Genome position (GRCh38, 1-based): chr2:169,271,049, G>A on the plus strand (C>T on the coding strand, the complement: LRP2 is on the minus strand). VCF-style: chr2-169271049-G-A. GRCh37 (hg19) VCF-style: chr2-170127559-G-A.
Other names: p.Thr725=.
Identifiers: ClinVar variation 129508 (VCV000129508.51), dbSNP rs141180155, ClinGen allele CA153564.